The following is an entry in ClinVar:

ClinVar aggregate classification (germline): Uncertain significance (1 of 4 stars; one submission).

Conditions:
Hereditary cancer-predisposing syndrome. Also called: Neoplastic Syndromes, Hereditary; Tumor predisposition; Hereditary Cancer Syndrome; Hereditary neoplastic syndrome. Identifiers: Orphanet 140162, MedGen C0027672, MeSH D009386, MONDO:0015356.

Submission:

Color Diagnostics, LLC DBA Color Health
Classification: Uncertain significance for Hereditary cancer-predisposing syndrome. Last evaluated: 2024-03-06. Review status: criteria provided, single submitter. Criteria: ACMG Guidelines, 2015. Collection method: clinical testing. Allele origin: germline.
Comment: This missense variant replaces glutamic acid with alanine at codon 1699 of the APC protein. Computational prediction suggests that this variant may not impact protein structure and function (internally defined REVEL score threshold <= 0.5, PMID: 27666373). To our knowledge, functional studies have not been reported for this variant. This variant has not been reported in individuals affected with APC-related disorders in the literature. This variant has not been identified in the general population by the Genome Aggregation Database (gnomAD). The available evidence is insufficient to determine the role of this variant in disease conclusively. Therefore, this variant is classified as a Variant of Uncertain Significance.

NM_000038.6(APC):c.5096A>C (p.Glu1699Ala)

Gene: APC (APC regulator of Wnt signaling pathway; plus strand). Cytogenetic location: 5q22.2.
Variant type: single nucleotide variant.
Coding change: c.5096A>C on transcript NM_000038.6 (MANE Select); coding-DNA position 5096, A replaced by C.
Protein change: p.Glu1699Ala; replaces glutamic acid 1699 with alanine.
Molecular consequence: missense variant. On other transcripts: non-coding transcript variant (2).
Genome position (GRCh38, 1-based): chr5:112,840,690, A>C. VCF-style: chr5-112840690-A-C. GRCh37 (hg19) VCF-style: chr5-112176387-A-C.
Other names: c.4793A>C, p.Glu1598Ala (NM_001407459.1, NM_001407460.1, NM_001354903.2 and 1 more transcripts); c.4709A>C, p.Glu1570Ala (NM_001407467.1, NM_001407469.1); c.3944A>C, p.Glu1315Ala (NM_001407472.1, NM_001407471.1); c.4247A>C, p.Glu1416Ala (NM_001407470.1, NM_001354906.2); c.5096A>C, p.Glu1699Ala (NM_001127510.3, NM_001354895.2, NM_001407450.1); c.5042A>C, p.Glu1681Ala (NM_001127511.3); c.5150A>C, p.Glu1717Ala (NM_001354896.2, NM_001407447.1, NM_001407448.1 and 1 more transcripts); c.5126A>C, p.Glu1709Ala (NM_001354897.2); and 11 more; short protein forms E1315A, E1570A, E1616A, E1671A, E1674A, E1681A, E1689A, E1692A.
Identifiers: ClinVar variation 2775152 (VCV002775152.2), dbSNP rs2149931922, ClinGen allele CA16032472.